The following is an entry in ClinVar:

ClinVar aggregate classification (germline): conflicting data from submitters (0 of 4 stars; one submission).

Submission:

ISCA site 1
Classification: conflicting data from submitters. Last evaluated: 2014-09-30. Review status: no assertion criteria provided. Collection method: clinical testing. Allele origin: unknown. Affected: yes. Observed: 2 variant alleles.
Comment: Pathogenic(1), Uncertain significance(1)

Copy number variation identified through the course of routine clinical cytogenomic testing in postnatal populations, with clinical assertions as classified by the original submitter. For data from the original published study, Kaminsky, et al. 2011 (PubMed 21844811), please see nstd101.

GRCh38/hg38 7q35(chr7:145744123-146198176)x1

Genes: CNTNAP2 (contactin associated protein 2; plus strand), LOC126860215 (P300/CBP strongly-dependent group 1 enhancer GRCh37_chr7:145750296-145751495; plus strand), LOC129389918 (MPRA-validated peak6822 silencer; plus strand), LOC129389919 (MPRA-validated peak6823 silencer; plus strand). Cytogenetic location: 7q35.
Variant type: copy number loss.
Change: copy number 1 (one copy instead of two) of chr7:145,744,123-146,198,176 (454.1 kb, GRCh38 coordinates, 1-based), cytogenetic band 7q35.
Identifiers: ClinVar variation 155351 (VCV000155351.2).